The following is an entry in ClinVar:

NM_133379.5(TTN):c.12653T>C (p.Ile4218Thr)

Gene: TTN (titin; minus strand). Cytogenetic location: 2q31.2.
Variant type: single nucleotide variant.
Coding change: c.12653T>C on transcript NM_133379.5; coding-DNA position 12653, T replaced by C.
Protein change: p.Ile4218Thr; replaces isoleucine 4218 with threonine.
Molecular consequence: missense variant. On other transcripts: intron variant (6).
Genome position (GRCh38, 1-based): chr2:178,749,747, A>G on the plus strand (T>C on the coding strand, the complement: TTN is on the minus strand). VCF-style: chr2-178749747-A-G. GRCh37 (hg19) VCF-style: chr2-179614474-A-G.
Other names: c.10222+3377T>C (NM_003319.4); c.10798+3377T>C (NM_133437.4); c.10597+3377T>C (NM_133432.3); c.10360+3377T>C (NM_133378.4, NM_001256850.1); c.11311+3377T>C (NM_001267550.2); short protein forms I4218T.
Identifiers: ClinVar variation 47745 (VCV000047745.10), dbSNP rs397517805, ClinGen allele CA141816.

ClinVar aggregate classification (germline): Conflicting classifications of pathogenicity. Review status: criteria provided, conflicting classifications (1 of 4 stars). 3 submissions from 3 submitters: Uncertain significance (2); Likely benign (1). Last evaluated 2026-08-01.

Allele frequency attached by ClinVar (database versions not stated): gnomAD 0.00001 and 0.00007; TOPMed 0.00004; gnomAD exomes 0.00028 and 0.00013; ExAC 0.00033; 1000 Genomes Project 0.00080; 1000 Genomes Project 30x 0.00094.
gnomAD v4.1: 200 of 1,612,912 alleles (0.012%); highest among the groups gnomAD compares: South Asian, 0.2%; 2 homozygotes.

Submissions (3):

CeGaT Center for Human Genetics Tuebingen
Classification: Likely benign. Last evaluated: 2026-08-01. Review status: criteria provided, single submitter. Criteria: CeGaT Center For Human Genetics Tuebingen Variant Classification Criteria Version 2. Collection method: clinical testing. Allele origin: germline. Affected: yes. Observed: 1 variant allele.
Comment: TTN: PP3, BS2

Eurofins Ntd Llc (ga)
Classification: Uncertain significance. Last evaluated: 2017-05-11. Review status: criteria provided, single submitter. Criteria: EGL Classification Definitions 2015. Collection method: clinical testing. Allele origin: germline. Observed: 1 variant allele, 1 heterozygote.

Laboratory for Molecular Medicine, Mass General Brigham Personalized Medicine
Classification: Uncertain significance. Last evaluated: 2012-09-12. Review status: criteria provided, single submitter. Criteria: LMM Criteria. Collection method: clinical testing. Allele origin: germline. Observed: 1 variant allele.
Comment: The Ile4218Thr variant in TTN has not been reported in the literature nor previo usly identified by our laboratory. Computational analyses are limited or unavail able for this variant. Additional information is needed to fully assess the clin ical significance of the Ile4218Thr variant.